The following is an entry in ClinVar:

ClinVar aggregate classification (germline): Likely benign. Review status: criteria provided, multiple submitters, no conflicts (2 of 4 stars). 3 submissions from 3 submitters: Likely benign (2). 1 of the submissions does not count toward it. Last evaluated 2025-08-22.

Conditions:
AGBL5-related disorder. Also called: AGBL5-related condition.

Allele frequency attached by ClinVar (database versions not stated): gnomAD exomes 0.00001 and 0.00002; ExAC 0.00002; TOPMed 0.00010; gnomAD 0.00011 and 0.00012; ESP Exome Variant Server 0.00015.
gnomAD v4.1: 37 of 1,614,094 alleles (0.0023%); highest among the groups gnomAD compares: African/African-American, 0.023%; no homozygotes.

Submissions (3):

Labcorp Genetics (formerly Invitae), Labcorp
Classification: Likely benign. Last evaluated: 2025-08-22. Review status: criteria provided, single submitter. Criteria: Invitae Variant Classification Sherloc (09022015). Collection method: clinical testing. Allele origin: germline.

Blueprint Genetics
Classification: Likely benign. Last evaluated: 2022-06-08. Review status: criteria provided, single submitter. Criteria: ACMG Guidelines, 2015. Collection method: clinical testing. Allele origin: germline.

PreventionGenetics, part of Exact Sciences
Classification: Likely benign for AGBL5-related condition. Last evaluated: 2020-02-14. Review status: no assertion criteria provided. Collection method: clinical testing. Allele origin: germline. Not counted in ClinVar's aggregate classification.
Comment: This variant is classified as likely benign based on ACMG/AMP sequence variant interpretation guidelines (Richards et al. 2015 PMID: 25741868, with internal and published modifications).

NM_021831.6(AGBL5):c.1230G>A (p.Ala410=)

Gene: AGBL5 (AGBL carboxypeptidase 5; plus strand). Cytogenetic location: 2p23.3.
Variant type: single nucleotide variant.
Coding change: c.1230G>A on transcript NM_021831.6 (MANE Select); coding-DNA position 1230, G replaced by A.
Protein change: p.Ala410=; no amino-acid change (alanine 410 retained).
Molecular consequence: synonymous variant. On other transcripts: non-coding transcript variant (2).
Genome position (GRCh38, 1-based): chr2:27,056,003, G>A. VCF-style: chr2-27056003-G-A. GRCh37 (hg19) VCF-style: chr2-27278871-G-A.
Other names: c.1230G>A, p.Ala410= (NM_001035507.3); c.1230G>A (NM_021831.5).
Identifiers: ClinVar variation 1125403 (VCV001125403.13), dbSNP rs368050370, ClinGen allele CA1567815.